The following is an entry in ClinVar:

ClinVar aggregate classification (germline): Likely pathogenic (1 of 4 stars; one submission).

Conditions:
Early-infantile DEE. Also called: Early infantile epileptic encephalopathy; Early infantile epileptic encephalopathy with suppression bursts; Ohtahara syndrome. Identifiers: Orphanet 1934, MedGen C0393706, MONDO:0800491.

Submission:

Labcorp Genetics (formerly Invitae), Labcorp
Classification: Likely pathogenic for Early-infantile DEE. Last evaluated: 2023-05-23. Review status: criteria provided, single submitter. Criteria: Invitae Variant Classification Sherloc (09022015). Collection method: clinical testing. Allele origin: germline.
Comment: This sequence change replaces threonine, which is neutral and polar, with isoleucine, which is neutral and non-polar, at codon 955 of the SCN1A protein (p.Thr955Ile). This variant is not present in population databases (gnomAD no frequency). This missense change has been observed in individual(s) with clinical features of SCN1A-related conditions and/or Dravet syndrome (PMID: 28012175; Invitae). Advanced modeling of protein sequence and biophysical properties (such as structural, functional, and spatial information, amino acid conservation, physicochemical variation, residue mobility, and thermodynamic stability) performed at Invitae indicates that this missense variant is expected to disrupt SCN1A protein function. In summary, the currently available evidence indicates that the variant is pathogenic, but additional data are needed to prove that conclusively. Therefore, this variant has been classified as Likely Pathogenic.

Literature cited by the submitters: PubMed 28012175.

NM_001165963.4(SCN1A):c.2864C>T (p.Thr955Ile)

Gene: SCN1A (sodium voltage-gated channel alpha subunit 1; minus strand). Cytogenetic location: 2q24.3.
Variant type: single nucleotide variant.
Coding change: c.2864C>T on transcript NM_001165963.4 (MANE Select); coding-DNA position 2864, C replaced by T.
Protein change: p.Thr955Ile; replaces threonine 955 with isoleucine.
Molecular consequence: missense variant. On other transcripts: non-coding transcript variant (1).
Genome position (GRCh38, 1-based): chr2:166,037,858, G>A on the plus strand (C>T on the coding strand, the complement: SCN1A is on the minus strand). VCF-style: chr2-166037858-G-A. GRCh37 (hg19) VCF-style: chr2-166894368-G-A.
Other names: c.2780C>T, p.Thr927Ile (NM_001165964.3, NM_001353957.2, NM_001353958.2); c.2864C>T, p.Thr955Ile (NM_001202435.3, NM_001353948.2); c.2831C>T, p.Thr944Ile (NM_001353949.2, NM_001353950.2, NM_001353951.2 and 2 more transcripts); c.2828C>T, p.Thr943Ile (NM_001353954.2, NM_001353955.2); c.2777C>T, p.Thr926Ile (NM_001353960.2); c.422C>T, p.Thr141Ile (NM_001353961.2); short protein forms T141I, T944I, T955I, T926I, T943I, T927I.
Identifiers: ClinVar variation 2734307 (VCV002734307.3), dbSNP rs2468095824, ClinGen allele CA349061096.